The following is an entry in ClinVar:

NM_002772.3(TMPRSS15):c.2262-5_2262del

Gene: TMPRSS15 (transmembrane serine protease 15; minus strand). Cytogenetic location: 21q21.1.
Variant type: Deletion.
Coding change: c.2262-5_2262del on transcript NM_002772.3 (MANE Select); 5 bases into the intron before coding-DNA position 2262 through coding-DNA position 2262, 6 bases deleted (TACAGT; older notation c.2262-5_2262delTACAGT).
Molecular consequence: splice acceptor variant.
Genome position (GRCh38, 1-based): chr21:18,294,652-18,294,657, ACTGTA deleted on the plus strand (TACAGT on the coding strand, the reverse complement: TMPRSS15 is on the minus strand); deleting any 6 consecutive bases within chr21:18,294,652-18,294,658 gives the same sequence; the c. name uses the placement nearest the transcript's 3' end. VCF-style (leftmost placement, unchanged base first): chr21-18294651-GACTGTA-G. GRCh37 (hg19) VCF-style: chr21-19666968-GACTGTA-G.
Other names: c.2262-5_2262del (NM_001428057.1); c.2397-5_2397del (NM_001428056.1).
Identifiers: ClinVar variation 3668282 (VCV003668282.2).

ClinVar aggregate classification (germline): Likely pathogenic (1 of 4 stars; one submission).

Submission:

Labcorp Genetics (formerly Invitae), Labcorp
Classification: Likely pathogenic. Last evaluated: 2024-11-29. Review status: criteria provided, single submitter. Criteria: Invitae Variant Classification Sherloc (09022015). Collection method: clinical testing. Allele origin: germline.
Comment: This variant results in the deletion of part of exon 20 (c.2262-5_2262del) of the TMPRSS15 gene. It is expected to disrupt RNA splicing. Variants that disrupt the donor or acceptor splice site typically lead to a loss of protein function (PMID: 16199547), and loss-of-function variants in TMPRSS15 are known to be pathogenic (PMID: 11719902). This variant is present in population databases (no rsID available, gnomAD 0.003%). This variant has not been reported in the literature in individuals affected with TMPRSS15-related conditions. Algorithms developed to predict the effect of sequence changes on RNA splicing suggest that this variant may disrupt the consensus splice site. In summary, the currently available evidence indicates that the variant is pathogenic, but additional data are needed to prove that conclusively. Therefore, this variant has been classified as Likely Pathogenic.

Literature cited by the submitters: PubMed 16199547; PubMed 11719902.